The following is an entry in ClinVar:

NM_016507.4(CDK12):c.3944A>G (p.His1315Arg)

Gene: CDK12 (cyclin dependent kinase 12; plus strand). Cytogenetic location: 17q12.
Variant type: single nucleotide variant.
Coding change: c.3944A>G on transcript NM_016507.4 (MANE Select); coding-DNA position 3944, A replaced by G.
Protein change: p.His1315Arg; replaces histidine 1315 with arginine.
Molecular consequence: missense variant.
Genome position (GRCh38, 1-based): chr17:39,530,787, A>G. VCF-style: chr17-39530787-A-G. GRCh37 (hg19) VCF-style: chr17-37687040-A-G.
Other names: c.3917A>G, p.His1306Arg (NM_015083.4); short protein forms H1315R, H1306R.
Identifiers: ClinVar variation 3830471 (VCV003830471.1).

ClinVar aggregate classification (germline): Uncertain significance (1 of 4 stars; one submission).

gnomAD v4.1: 8 of 1,613,754 alleles (0.0005%); highest among the groups gnomAD compares: South Asian, 0.0011%; no homozygotes.

Submission:

Ambry Genetics
Classification: Uncertain significance. Last evaluated: 2025-01-08. Review status: criteria provided, single submitter. Criteria: Ambry Variant Classification Scheme 2023. Collection method: clinical testing. Allele origin: germline.
Comment: The p.H1315R variant (also known as c.3944A>G), located in coding exon 14 of the CDK12 gene, results from an A to G substitution at nucleotide position 3944. The histidine at codon 1315 is replaced by arginine, an amino acid with highly similar properties. This amino acid position is conserved. In addition, this alteration is predicted to be tolerated by in silico analysis. Based on the available evidence, the clinical significance of this variant remains unclear.